The following is an entry in ClinVar:

ClinVar aggregate classification (germline): Benign. Review status: criteria provided, multiple submitters, no conflicts (2 of 4 stars). 4 submissions from 4 submitters: Benign (3). 1 of the submissions does not count toward it. Last evaluated 2021-05-04.

Conditions:
NOS3-related disorder. Also called: NOS3-related condition.

Allele frequency attached by ClinVar (database versions not stated): gnomAD exomes 0.00500 and 0.00740; ExAC 0.00892; gnomAD 0.02122 and 0.02285; 1000 Genomes Project 0.02157; 1000 Genomes Project 30x 0.02342; TOPMed 0.02393; ESP Exome Variant Server 0.02565.
gnomAD v4.1: 10,608 of 1,612,522 alleles (0.66%); highest among the groups gnomAD compares: African/African-American, 6.8%; 146 homozygotes.

Submissions (4):

GeneDx
Classification: Benign. Last evaluated: 2021-05-04. Review status: criteria provided, single submitter. Criteria: GeneDx Variant Classification Process June 2021. Collection method: clinical testing. Allele origin: germline. Affected: yes.

Labcorp Genetics (formerly Invitae), Labcorp
Classification: Benign. Last evaluated: 2019-12-31. Review status: criteria provided, single submitter. Criteria: Invitae Variant Classification Sherloc (09022015). Collection method: clinical testing. Allele origin: germline.

Breakthrough Genomics
Classification: Benign. Review status: criteria provided, single submitter. Criteria: ACMG Guidelines, 2015. Collection method: not provided. Allele origin: germline. Inheritance: Autosomal dominant inheritance. Affected: yes.

PreventionGenetics, part of Exact Sciences
Classification: Benign for NOS3-related condition. Last evaluated: 2019-04-01. Review status: no assertion criteria provided. Collection method: clinical testing. Allele origin: germline. Not counted in ClinVar's aggregate classification.
Comment: This variant is classified as benign based on ACMG/AMP sequence variant interpretation guidelines (Richards et al. 2015 PMID: 25741868, with internal and published modifications).

NM_000603.5(NOS3):c.849C>T (p.Asn283=)

Gene: NOS3 (nitric oxide synthase 3; plus strand). Cytogenetic location: 7q36.1.
Variant type: single nucleotide variant.
Coding change: c.849C>T on transcript NM_000603.5 (MANE Select); coding-DNA position 849, C replaced by T.
Protein change: p.Asn283=; no amino-acid change (asparagine 283 retained).
Molecular consequence: synonymous variant.
Genome position (GRCh38, 1-based): chr7:150,998,978, C>T. VCF-style: chr7-150998978-C-T. GRCh37 (hg19) VCF-style: chr7-150696066-C-T.
Other names: c.849C>T, p.Asn283= (NM_001160109.2, NM_001160110.1, NM_001160111.1).
Identifiers: ClinVar variation 776272 (VCV000776272.8), dbSNP rs9282803, ClinGen allele CA4566778.